The following is an entry in ClinVar:

ClinVar aggregate classification (germline): Uncertain significance (1 of 4 stars; one submission).

Allele frequency attached by ClinVar (database versions not stated): gnomAD exomes 0.00001; ExAC 0.00003; TOPMed 0.00003.
gnomAD v4.1: 16 of 1,503,344 alleles (0.0011%); highest among the groups gnomAD compares: African/African-American, 0.0028%; no homozygotes.

Submission:

Labcorp Genetics (formerly Invitae), Labcorp
Classification: Uncertain significance. Last evaluated: 2022-04-21. Review status: criteria provided, single submitter. Criteria: Invitae Variant Classification Sherloc (09022015). Collection method: clinical testing. Allele origin: germline.
Comment: This sequence change falls in intron 6 of the DNA2 gene. It does not directly change the encoded amino acid sequence of the DNA2 protein. This variant is present in population databases (rs761877753, gnomAD 0.01%). This variant has not been reported in the literature in individuals affected with DNA2-related conditions. Algorithms developed to predict the effect of sequence changes on RNA splicing suggest that this variant may disrupt the consensus splice site. In summary, the available evidence is currently insufficient to determine the role of this variant in disease. Therefore, it has been classified as a Variant of Uncertain Significance.

NM_001080449.3(DNA2):c.940-12A>G

Gene: DNA2 (DNA replication helicase/nuclease 2; minus strand). Cytogenetic location: 10q21.3.
Variant type: single nucleotide variant.
Coding change: c.940-12A>G on transcript NM_001080449.3 (MANE Select); 12 bases into the intron before coding-DNA position 940, A replaced by G.
Molecular consequence: intron variant.
Genome position (GRCh38, 1-based): chr10:68,446,425, T>C on the plus strand (A>G on the coding strand, the complement: DNA2 is on the minus strand). VCF-style: chr10-68446425-T-C. GRCh37 (hg19) VCF-style: chr10-70206182-T-C.
Identifiers: ClinVar variation 1930045 (VCV001930045.5), dbSNP rs761877753, ClinGen allele CA5525173.